The following is an entry in ClinVar:

NM_004656.4(BAP1):c.1845G>A (p.Met615Ile)

Gene: BAP1 (BRCA1 associated deubiquitinase 1; minus strand). Cytogenetic location: 3p21.1.
Variant type: single nucleotide variant.
Coding change: c.1845G>A on transcript NM_004656.4 (MANE Select); coding-DNA position 1845, G replaced by A.
Protein change: p.Met615Ile; replaces methionine 615 with isoleucine.
Molecular consequence: missense variant.
Genome position (GRCh38, 1-based): chr3:52,403,183, C>T on the plus strand (G>A on the coding strand, the complement: BAP1 is on the minus strand). VCF-style: chr3-52403183-C-T. GRCh37 (hg19) VCF-style: chr3-52437199-C-T.
Other names: c.1791G>A, p.Met597Ile (NM_001410772.1); short protein forms M597I, M615I.
Identifiers: ClinVar variation 1781231 (VCV001781231.2), dbSNP rs2153226458, ClinGen allele CA353098209.

ClinVar aggregate classification (germline): Uncertain significance (1 of 4 stars; one submission).

Conditions:
Hereditary cancer-predisposing syndrome. Also called: Neoplastic Syndromes, Hereditary; Tumor predisposition; Hereditary Cancer Syndrome; Hereditary neoplastic syndrome. Identifiers: Orphanet 140162, MedGen C0027672, MeSH D009386, MONDO:0015356.

Allele frequency attached by ClinVar (database versions not stated): gnomAD exomes below 0.00001.
gnomAD v4.1: 1 of 1,614,172 alleles (0.000062%); highest among the groups gnomAD compares: Middle Eastern, 0.016%; no homozygotes.

Submission:

Ambry Genetics
Classification: Uncertain significance for Hereditary cancer-predisposing syndrome. Last evaluated: 2020-03-23. Review status: criteria provided, single submitter. Criteria: Ambry Variant Classification Scheme 2023. Collection method: clinical testing. Allele origin: germline.
Comment: The p.M615I variant (also known as c.1845G>A), located in coding exon 14 of the BAP1 gene, results from a G to A substitution at nucleotide position 1845. The methionine at codon 615 is replaced by isoleucine, an amino acid with highly similar properties. This amino acid position is poorly conserved in available vertebrate species. In addition, this alteration is predicted to be tolerated by in silico analysis. Since supporting evidence is limited at this time, the clinical significance of this alteration remains unclear.